The following is an entry in ClinVar:

ClinVar aggregate classification (germline): Uncertain significance. Review status: criteria provided, multiple submitters, no conflicts (2 of 4 stars). 2 submissions from 2 submitters: Uncertain significance (2). Last evaluated 2025-08-22.

Conditions:
Inborn genetic diseases. Identifiers: MedGen C0950123, MeSH D030342.

Allele frequency attached by ClinVar (database versions not stated): ExAC 0.00001; gnomAD 0.00001; gnomAD exomes 0.00001; ESP Exome Variant Server 0.00008.
gnomAD v4.1: 6 of 1,613,918 alleles (0.00037%); highest among the groups gnomAD compares: African/African-American, 0.0027%; no homozygotes.

Submissions (2):

Ambry Genetics
Classification: Uncertain significance for Inborn genetic diseases. Last evaluated: 2025-08-22. Review status: criteria provided, single submitter. Criteria: Ambry Variant Classification Scheme 2023. Collection method: clinical testing. Allele origin: germline.

Labcorp Genetics (formerly Invitae), Labcorp
Classification: Uncertain significance. Last evaluated: 2024-04-13. Review status: criteria provided, single submitter. Criteria: Invitae Variant Classification Sherloc (09022015). Collection method: clinical testing. Allele origin: germline.
Comment: This sequence change replaces glycine, which is neutral and non-polar, with arginine, which is basic and polar, at codon 368 of the COL10A1 protein (p.Gly368Arg). This variant is present in population databases (rs368429477, gnomAD 0.007%). This variant has not been reported in the literature in individuals affected with COL10A1-related conditions. ClinVar contains an entry for this variant (Variation ID: 2543787). Advanced modeling of protein sequence and biophysical properties (such as structural, functional, and spatial information, amino acid conservation, physicochemical variation, residue mobility, and thermodynamic stability) performed at Invitae indicates that this missense variant is expected to disrupt COL10A1 protein function with a positive predictive value of 80%. In summary, the available evidence is currently insufficient to determine the role of this variant in disease. Therefore, it has been classified as a Variant of Uncertain Significance.

NM_000493.4(COL10A1):c.1102G>A (p.Gly368Arg)

Genes: COL10A1 (collagen type X alpha 1 chain; minus strand), NT5DC1 (5'-nucleotidase domain containing 1; plus strand). Cytogenetic location: 6q22.1.
Variant type: single nucleotide variant.
Coding change: c.1102G>A on transcript NM_000493.4 (MANE Select); coding-DNA position 1102, G replaced by A.
Protein change: p.Gly368Arg; replaces glycine 368 with arginine.
Molecular consequence: missense variant. On other transcripts: intron variant (1).
Genome position (GRCh38, 1-based): chr6:116,121,014, C>T on the plus strand (G>A on the coding strand, the complement: COL10A1 is on the minus strand). VCF-style: chr6-116121014-C-T. GRCh37 (hg19) VCF-style: chr6-116442177-C-T.
Other names: c.1102G>A, p.Gly368Arg (NM_001424106.1, NM_001424107.1); c.529+3069C>T (NM_152729.3); short protein forms G368R.
Identifiers: ClinVar variation 2543787 (VCV002543787.6), dbSNP rs368429477, ClinGen allele CA3968250.
Genomic context (GRCh38, chr6:116,121,014, plus strand): 5'-GTTTTCCATCTGACCCAGGGGAACCCCTTTCACCCTTAGCCCCAGGGTATCCTGCAGGCC[C>T]AGCTGGCCCTGTCTCACCTTTAGGGCCTGGGAGACCATGGCTACCCGGGATGCCTTTTGG-3'
Protein context (NP_000484.2, residues 358-378): PGPKGETGPA[Gly368Arg]PAGYPGAKGE